The following is an entry in ClinVar:

ClinVar aggregate classification (germline): Uncertain significance. Review status: criteria provided, multiple submitters, no conflicts (2 of 4 stars). 4 submissions from 4 submitters: Uncertain significance (4). Last evaluated 2025-12-29.

Conditions:
Cardiovascular phenotype. Identifiers: MedGen CN230736.
Catecholaminergic polymorphic ventricular tachycardia 1. Also called: RYR2-Related Catecholaminergic Polymorphic Ventricular Tachycardia; VENTRICULAR TACHYCARDIA, STRESS-INDUCED POLYMORPHIC 1; VENTRICULAR TACHYCARDIA, CATECHOLAMINERGIC POLYMORPHIC, 1, WITH OR WITHOUT ATRIAL DYSFUNCTION AND/OR DILATED CARDIOMYOPATHY. Identifiers: Orphanet 3286, MedGen C1631597, MONDO:0011484, OMIM 604772.
Catecholaminergic polymorphic ventricular tachycardia 2. Also called: CASQ2-Related Catecholaminergic Polymorphic Ventricular Tachycardia; VENTRICULAR TACHYCARDIA, STRESS-INDUCED POLYMORPHIC 2. Identifiers: Orphanet 3286, MedGen C2677794, MONDO:0012762, OMIM 611938.

Allele frequency attached by ClinVar (database versions not stated): ExAC 0.00001; TOPMed 0.00002; gnomAD 0.00003.
gnomAD v4.1: 8 of 1,605,736 alleles (0.0005%); highest among the groups gnomAD compares: African/African-American, 0.0069%; no homozygotes.

Submissions (4):

Labcorp Genetics (formerly Invitae), Labcorp
Classification: Uncertain significance for Catecholaminergic polymorphic ventricular tachycardia 1. Last evaluated: 2025-12-29. Review status: criteria provided, single submitter. Criteria: Invitae Variant Classification Sherloc (09022015). Collection method: clinical testing. Allele origin: germline.
Comment: This sequence change replaces arginine, which is basic and polar, with serine, which is neutral and polar, at codon 253 of the CASQ2 protein (p.Arg253Ser). The frequency data for this variant in the population databases is considered unreliable, as metrics indicate poor data quality at this position in the gnomAD database. This variant has not been reported in the literature in individuals affected with CASQ2-related conditions. ClinVar contains an entry for this variant (Variation ID: 178880). Invitae Evidence Modeling of protein sequence and biophysical properties (such as structural, functional, and spatial information, amino acid conservation, physicochemical variation, residue mobility, and thermodynamic stability) has been performed for this missense variant. However, the output from this modeling did not meet the statistical confidence thresholds required to predict the impact of this variant on CASQ2 protein function. In summary, the available evidence is currently insufficient to determine the role of this variant in disease. Therefore, it has been classified as a Variant of Uncertain Significance.

Genome-Nilou Lab
Classification: Uncertain significance for Catecholaminergic polymorphic ventricular tachycardia 2. Last evaluated: 2023-04-11. Review status: criteria provided, single submitter. Criteria: ACMG Guidelines, 2015. Collection method: clinical testing. Allele origin: germline. Affected: no.

Ambry Genetics
Classification: Uncertain significance for Cardiovascular phenotype. Last evaluated: 2023-02-26. Review status: criteria provided, single submitter. Criteria: Ambry Variant Classification Scheme 2023. Collection method: clinical testing. Allele origin: germline.
Comment: The p.R253S variant (also known as c.757C>A), located in coding exon 7 of the CASQ2 gene, results from a C to A substitution at nucleotide position 757. The arginine at codon 253 is replaced by serine, an amino acid with dissimilar properties. This amino acid position is well conserved in available vertebrate species. In addition, this alteration is predicted to be deleterious by in silico analysis. Since supporting evidence is limited at this time, the clinical significance of this alteration remains unclear.

Laboratory for Molecular Medicine, Mass General Brigham Personalized Medicine
Classification: Uncertain significance. Last evaluated: 2013-04-12. Review status: criteria provided, single submitter. Criteria: LMM Criteria. Collection method: clinical testing. Allele origin: germline. Observed: 1 variant allele.
Comment: The Arg253Ser variant in CASQ2 has not been reported in the literature nor previ ously identified by our laboratory. This variant has not been identified in larg e European American and African American populations by the NHLBI Exome Sequenci ng Project, though it may be present in othe r populations. Computational analyses (biochemical amino acid properties, conser vation, AlignGVGD, PolyPhen2, and SIFT) do not provide strong support for or aga inst an impact to the protein. In summary, additional information is needed to f ully assess the clinical significance of this variant.

Literature cited by the submitters: PubMed 30847666 (cited by Ambry Genetics).

NM_001232.4(CASQ2):c.757C>A (p.Arg253Ser)

Gene: CASQ2 (calsequestrin 2; minus strand). Cytogenetic location: 1p13.1.
Variant type: single nucleotide variant.
Coding change: c.757C>A on transcript NM_001232.4 (MANE Select); coding-DNA position 757, C replaced by A.
Protein change: p.Arg253Ser; replaces arginine 253 with serine.
Molecular consequence: missense variant.
Genome position (GRCh38, 1-based): chr1:115,725,534, G>T on the plus strand (C>A on the coding strand, the complement: CASQ2 is on the minus strand). VCF-style: chr1-115725534-G-T. GRCh37 (hg19) VCF-style: chr1-116268155-G-T.
Other names: short protein forms R253S.
Identifiers: ClinVar variation 178880 (VCV000178880.9), dbSNP rs727504510, ClinGen allele CA183215.